The following is an entry in ClinVar:

NM_138694.4(PKHD1):c.3080C>G (p.Ser1027Cys)

Gene: PKHD1 (PKHD1 ciliary IPT domain containing fibrocystin/polyductin; minus strand). Cytogenetic location: 6p12.2.
Variant type: single nucleotide variant.
Coding change: c.3080C>G on transcript NM_138694.4 (MANE Select); coding-DNA position 3080, C replaced by G.
Protein change: p.Ser1027Cys; replaces serine 1027 with cysteine.
Molecular consequence: missense variant.
Genome position (GRCh38, 1-based): chr6:52,042,876, G>C on the plus strand (C>G on the coding strand, the complement: PKHD1 is on the minus strand). VCF-style: chr6-52042876-G-C. GRCh37 (hg19) VCF-style: chr6-51907674-G-C.
Other names: c.3080C>G, p.Ser1027Cys (NM_170724.3); short protein forms S1027C.
Identifiers: ClinVar variation 3933098 (VCV003933098.2).

ClinVar aggregate classification (germline): Uncertain significance. Review status: criteria provided, multiple submitters, no conflicts (2 of 4 stars). 2 submissions from 2 submitters: Uncertain significance (2). Last evaluated 2025-03-30.

Conditions:
Inborn genetic diseases. Identifiers: MedGen C0950123, MeSH D030342.

gnomAD v4.1: 7 of 1,613,826 alleles (0.00043%); highest among the groups gnomAD compares: Non-Finnish European, 0.00042%; no homozygotes.

Submissions (2):

Ambry Genetics
Classification: Uncertain significance for Inborn genetic diseases. Last evaluated: 2025-03-30. Review status: criteria provided, single submitter. Criteria: Ambry Variant Classification Scheme 2023. Collection method: clinical testing. Allele origin: germline.

GeneDx
Classification: Uncertain significance. Last evaluated: 2025-01-13. Review status: criteria provided, single submitter. Criteria: GeneDx Variant Classification Process June 2021. Collection method: clinical testing. Allele origin: germline. Affected: yes.
Comment: Not observed at significant frequency in large population cohorts (gnomAD); In silico analysis supports that this missense variant has a deleterious effect on protein structure/function; Has not been previously published as pathogenic or benign to our knowledge